The following is an entry in ClinVar:

ClinVar aggregate classification (germline): Uncertain significance (1 of 4 stars; one submission).

Conditions:
Hereditary cancer-predisposing syndrome. Also called: Neoplastic Syndromes, Hereditary; Hereditary Cancer Syndrome; Hereditary neoplastic syndrome; Tumor predisposition. Identifiers: Orphanet 140162, MedGen C0027672, MeSH D009386, MONDO:0015356.

Submission:

Ambry Genetics
Classification: Uncertain significance for Hereditary cancer-predisposing syndrome. Last evaluated: 2023-04-18. Review status: criteria provided, single submitter. Criteria: Ambry Variant Classification Scheme 2023. Collection method: clinical testing. Allele origin: germline.
Comment: The p.S1469T variant (also known as c.4405T>A), located in coding exon 33 of the TSC2 gene, results from a T to A substitution at nucleotide position 4405. The serine at codon 1469 is replaced by threonine, an amino acid with similar properties. This amino acid position is conserved. In addition, the in silico prediction for this alteration is inconclusive. Since supporting evidence is limited at this time, the clinical significance of this alteration remains unclear.

NM_000548.5(TSC2):c.4405T>A (p.Ser1469Thr)

Gene: TSC2 (TSC complex subunit 2; plus strand). Cytogenetic location: 16p13.3.
Variant type: single nucleotide variant.
Coding change: c.4405T>A on transcript NM_000548.5 (MANE Select); coding-DNA position 4405, T replaced by A.
Protein change: p.Ser1469Thr; replaces serine 1469 with threonine.
Molecular consequence: missense variant. On other transcripts: non-coding transcript variant (5).
Genome position (GRCh38, 1-based): chr16:2,084,627, T>A. VCF-style: chr16-2084627-T-A. GRCh37 (hg19) VCF-style: chr16-2134628-T-A.
Other names: c.4204T>A, p.Ser1402Thr (NM_001077183.3); c.4336T>A, p.Ser1446Thr (NM_001114382.3); c.4096T>A, p.Ser1366Thr (NM_001318827.2); c.4060T>A, p.Ser1354Thr (NM_001318829.2); c.3673T>A, p.Ser1225Thr (NM_001318831.2); c.4237T>A, p.Ser1413Thr (NM_001318832.2); c.4207T>A, p.Ser1403Thr (NM_001363528.2); c.4273T>A, p.Ser1425Thr (NM_001370404.1); and 26 more; short protein forms S1245T, S1246T, S1269T, S1354T, S1383T, S1403T, S868T, S998T.
Identifiers: ClinVar variation 2564700 (VCV002564700.2), dbSNP rs907136617, ClinGen allele CA394302016.